The following is an entry in ClinVar:

ClinVar aggregate classification (germline): Conflicting classifications of pathogenicity. Review status: criteria provided, conflicting classifications (1 of 4 stars). 8 submissions from 6 submitters: Uncertain significance (7); Benign (1). Last evaluated 2026-03-03.

Conditions:
Hereditary spherocytosis type 3. Also called: SPTA1-Related Spherocytosis; Spherocytosis type 3. Identifiers: Orphanet 822, MedGen C2678338, MONDO:0010053, OMIM 270970.
Pyropoikilocytosis, hereditary. Also called: Pyropoikilocytosis. Identifiers: MedGen C0520739, MONDO:0009948, OMIM 266140, HP:0004839. Disease mechanism: loss of function.
Elliptocytosis 2 (EL2). Also called: ELLIPTOCYTOSIS, RHESUS-UNLINKED TYPE. Identifiers: Orphanet 288, MedGen C1851741, MONDO:0007533, OMIM 130600.

Allele frequency attached by ClinVar (database versions not stated): gnomAD exomes 0.00005 and 0.00004; ExAC 0.00008; gnomAD 0.00019 and 0.00021; ESP Exome Variant Server 0.00025; TOPMed 0.00024.
gnomAD v4.1: 92 of 1,613,408 alleles (0.0057%); highest among the groups gnomAD compares: African/African-American, 0.078%; 1 homozygote.

Submissions (8):

Ambry Genetics
Classification: Uncertain significance. Last evaluated: 2026-03-03. Review status: criteria provided, single submitter. Criteria: Ambry Variant Classification Scheme 2023. Collection method: clinical testing. Allele origin: germline.

GeneDx
Classification: Uncertain significance. Last evaluated: 2026-01-04. Review status: criteria provided, single submitter. Criteria: GeneDx Variant Classification Process June 2021. Collection method: clinical testing. Allele origin: germline. Affected: yes.
Comment: Has not been previously published as pathogenic or benign to our knowledge; In silico analysis supports that this missense variant has a deleterious effect on protein structure/function

Labcorp Genetics (formerly Invitae), Labcorp
Classification: Benign. Last evaluated: 2025-03-22. Review status: criteria provided, single submitter. Criteria: Invitae Variant Classification Sherloc (09022015). Collection method: clinical testing. Allele origin: germline.

Revvity Omics, Revvity
Classification: Uncertain significance. Last evaluated: 2025-01-07. Review status: criteria provided, single submitter. Criteria: ACMG Guidelines, 2015. Collection method: clinical testing. Allele origin: germline.

Mayo Clinic Laboratories, Mayo Clinic
Classification: Uncertain significance. Last evaluated: 2024-03-21. Review status: criteria provided, single submitter. Criteria: ACMG Guidelines, 2015. Collection method: clinical testing. Allele origin: germline. Observed: 2 variant alleles.

Illumina Laboratory Services, Illumina
Classification: Uncertain significance for Elliptocytosis 2. Last evaluated: 2018-01-13. Review status: criteria provided, single submitter. Criteria: ICSL Variant Classification Criteria 13 December 2019. Collection method: clinical testing. Allele origin: germline.

Illumina Laboratory Services, Illumina
Classification: Uncertain significance for Pyropoikilocytosis, hereditary. Last evaluated: 2018-01-13. Review status: criteria provided, single submitter. Criteria: ICSL Variant Classification Criteria 13 December 2019. Collection method: clinical testing. Allele origin: germline.

Illumina Laboratory Services, Illumina
Classification: Uncertain significance for Hereditary spherocytosis type 3. Last evaluated: 2018-01-13. Review status: criteria provided, single submitter. Criteria: ICSL Variant Classification Criteria 13 December 2019. Collection method: clinical testing. Allele origin: germline.

NM_003126.4(SPTA1):c.6851A>G (p.Asp2284Gly)

Gene: SPTA1 (spectrin alpha, erythrocytic 1; minus strand). Cytogenetic location: 1q23.1.
Variant type: single nucleotide variant.
Coding change: c.6851A>G on transcript NM_003126.4 (MANE Select); coding-DNA position 6851, A replaced by G.
Protein change: p.Asp2284Gly; replaces aspartic acid 2284 with glycine.
Molecular consequence: missense variant.
Genome position (GRCh38, 1-based): chr1:158,613,859, T>C on the plus strand (A>G on the coding strand, the complement: SPTA1 is on the minus strand). VCF-style: chr1-158613859-T-C. GRCh37 (hg19) VCF-style: chr1-158583649-T-C.
Other names: p.Asp2284Gly; short protein forms D2284G.
Identifiers: ClinVar variation 292942 (VCV000292942.14), dbSNP rs374589766, ClinGen allele CA1181796.